The following is an entry in ClinVar:

ClinVar aggregate classification (germline): Uncertain significance (1 of 4 stars; one submission).

Submission:

Labcorp Genetics (formerly Invitae), Labcorp
Classification: Uncertain significance. Last evaluated: 2021-02-19. Review status: criteria provided, single submitter. Criteria: Invitae Variant Classification Sherloc (09022015). Collection method: clinical testing. Allele origin: germline.
Comment: In summary, the available evidence is currently insufficient to determine the role of this variant in disease. Therefore, it has been classified as a Variant of Uncertain Significance. Algorithms developed to predict the effect of missense changes on protein structure and function output the following: SIFT: "Tolerated"; PolyPhen-2: "Not Available"; Align-GVGD: "Class C0". The leucine amino acid residue is found in multiple mammalian species, suggesting that this missense change does not adversely affect protein function. These predictions have not been confirmed by published functional studies and their clinical significance is uncertain. This variant has not been reported in the literature in individuals with ANXA11-related conditions. This variant is not present in population databases (ExAC no frequency). This sequence change replaces proline with leucine at codon 156 of the ANXA11 protein (p.Pro156Leu). The proline residue is weakly conserved and there is a moderate physicochemical difference between proline and leucine.

NM_145868.2(ANXA11):c.467C>T (p.Pro156Leu)

Gene: ANXA11 (annexin A11; minus strand). Cytogenetic location: 10q22.3.
Variant type: single nucleotide variant.
Coding change: c.467C>T on transcript NM_145868.2 (MANE Select); coding-DNA position 467, C replaced by T.
Protein change: p.Pro156Leu; replaces proline 156 with leucine.
Molecular consequence: missense variant.
Genome position (GRCh38, 1-based): chr10:80,169,063, G>A on the plus strand (C>T on the coding strand, the complement: ANXA11 is on the minus strand). VCF-style: chr10-80169063-G-A. GRCh37 (hg19) VCF-style: chr10-81928819-G-A.
Other names: c.467C>T, p.Pro156Leu (NM_001157.3, NM_001278407.2, NM_001278408.2 and 1 more transcripts); c.368C>T, p.Pro123Leu (NM_001278409.2); short protein forms P156L, P123L.
Identifiers: ClinVar variation 1511880 (VCV001511880.8), dbSNP rs2132411715, ClinGen allele CA377368093.